The following is an entry in ClinVar:

ClinVar aggregate classification (germline): Conflicting classifications of pathogenicity. Review status: criteria provided, conflicting classifications (1 of 4 stars). 5 submissions from 5 submitters: Uncertain significance (1); Likely benign (3). 1 of the submissions does not count toward it. Last evaluated 2025-05-05.

Conditions:
ALG3-related disorder. Also called: ALG3-related condition.
ALG3-congenital disorder of glycosylation. Also called: CONGENITAL DISORDER OF GLYCOSYLATION, TYPE Id; CDG Id; ALG3-CDG; CARBOHYDRATE-DEFICIENT GLYCOPROTEIN SYNDROME, TYPE IV; CDGS, TYPE IV. Identifiers: Orphanet 79321, MedGen C1832736, MONDO:0010998, OMIM 601110.

Allele frequency attached by ClinVar (database versions not stated): 1000 Genomes Project 30x 0.00016; 1000 Genomes Project 0.00020; gnomAD 0.00024; TOPMed 0.00033; gnomAD exomes 0.00046; ESP Exome Variant Server 0.00067; ExAC 0.00068.
gnomAD v4.1: 860 of 1,613,860 alleles (0.053%); highest among the groups gnomAD compares: Non-Finnish European, 0.068%; no homozygotes.

Submissions (5):

Labcorp Genetics (formerly Invitae), Labcorp
Classification: Likely benign for ALG3-congenital disorder of glycosylation. Last evaluated: 2025-05-05. Review status: criteria provided, single submitter. Criteria: Invitae Variant Classification Sherloc (09022015). Collection method: clinical testing. Allele origin: germline.

Blueprint Genetics
Classification: Likely benign. Last evaluated: 2024-11-25. Review status: criteria provided, single submitter. Criteria: ACMG Guidelines, 2015. Collection method: clinical testing. Allele origin: germline.

GeneDx
Classification: Likely benign. Last evaluated: 2018-03-02. Review status: criteria provided, single submitter. Criteria: GeneDx Variant Classification (06012015). Collection method: clinical testing. Allele origin: germline. Affected: yes.
Comment: This variant is considered likely benign or benign based on one or more of the following criteria: it is a conservative change, it occurs at a poorly conserved position in the protein, it is predicted to be benign by multiple in silico algorithms, and/or has population frequency not consistent with disease.

Illumina Laboratory Services, Illumina
Classification: Uncertain significance for ALG3-congenital disorder of glycosylation. Last evaluated: 2018-01-13. Review status: criteria provided, single submitter. Criteria: ICSL Variant Classification Criteria 13 December 2019. Collection method: clinical testing. Allele origin: germline.

PreventionGenetics, part of Exact Sciences
Classification: Likely benign for ALG3-related condition. Last evaluated: 2019-06-11. Review status: no assertion criteria provided. Collection method: clinical testing. Allele origin: germline. Not counted in ClinVar's aggregate classification.
Comment: This variant is classified as likely benign based on ACMG/AMP sequence variant interpretation guidelines (Richards et al. 2015 PMID: 25741868, with internal and published modifications).

NM_005787.6(ALG3):c.933-4C>T

Gene: ALG3 (ALG3 alpha-1,3- mannosyltransferase; minus strand). Cytogenetic location: 3q27.1.
Variant type: single nucleotide variant.
Coding change: c.933-4C>T on transcript NM_005787.6 (MANE Select); 4 bases into the intron before coding-DNA position 933, C replaced by T.
Molecular consequence: intron variant.
Genome position (GRCh38, 1-based): chr3:184,243,634, G>A on the plus strand (C>T on the coding strand, the complement: ALG3 is on the minus strand). VCF-style: chr3-184243634-G-A. GRCh37 (hg19) VCF-style: chr3-183961422-G-A.
Other names: c.789-4C>T (NM_001006941.2).
Identifiers: ClinVar variation 344350 (VCV000344350.17), dbSNP rs190571910, ClinGen allele CA2729374.